The following is an entry in ClinVar:

NM_001166114.2(PNPLA6):c.3281-5C>T

Gene: PNPLA6 (patatin like domain 6, lysophospholipase; plus strand). Cytogenetic location: 19p13.2.
Variant type: single nucleotide variant.
Coding change: c.3281-5C>T on transcript NM_001166114.2 (MANE Select); 5 bases into the intron before coding-DNA position 3281, C replaced by T.
Molecular consequence: intron variant.
Genome position (GRCh38, 1-based): chr19:7,557,163, C>T. VCF-style: chr19-7557163-C-T. GRCh37 (hg19) VCF-style: chr19-7622049-C-T.
Other names: p.?; c.3167-5C>T (NM_006702.5, NM_001166113.1); c.3086-5C>T (NM_001166112.2); c.3311-5C>T (NM_001166111.2).
Identifiers: ClinVar variation 537338 (VCV000537338.13), dbSNP rs370676290, ClinGen allele CA9140418.
Genomic context (GRCh38, chr19:7,557,163, plus strand): 5'-GGCTGGGCCTCCGGCGTGTCTGAGCGTGTCTGTGCGTGTTTGTGTCTGTGTGTCCCACCG[C>T]GCAGGCTCCCTGTGGCGGTACGTGCGCGCCAGCATGACGCTGTCGGGCTACCTGCCCCCG-3'

ClinVar aggregate classification (germline): Likely benign. Review status: criteria provided, multiple submitters, no conflicts (2 of 4 stars). 3 submissions from 3 submitters: Likely benign (3). Last evaluated 2026-01-18.

Conditions:
Hereditary spastic paraplegia 39 (SPG39). Also called: SPASTIC PARAPLEGIA 39, AUTOSOMAL RECESSIVE; Spastic Paraplegia Type 39 (SPG39). Identifiers: Orphanet 139480, MedGen C2677586, MONDO:0012787, OMIM 612020.

Allele frequency attached by ClinVar (database versions not stated): TOPMed 0.00007; ESP Exome Variant Server 0.00015.
gnomAD v4.1: 72 of 1,606,294 alleles (0.0045%); highest among the groups gnomAD compares: Admixed American, 0.11%; no homozygotes.

Submissions (3):

Labcorp Genetics (formerly Invitae), Labcorp
Classification: Likely benign for Hereditary spastic paraplegia 39. Last evaluated: 2026-01-18. Review status: criteria provided, single submitter. Criteria: Invitae Variant Classification Sherloc (09022015). Collection method: clinical testing. Allele origin: germline.

Mayo Clinic Laboratories, Mayo Clinic
Classification: Likely benign. Last evaluated: 2025-06-05. Review status: criteria provided, single submitter. Criteria: ACMG Guidelines, 2015. Collection method: clinical testing. Allele origin: germline. Observed: 1 variant allele.
Comment: BS1, BP4, BP7

Blueprint Genetics
Classification: Likely benign. Last evaluated: 2022-04-04. Review status: criteria provided, single submitter. Criteria: ACMG Guidelines, 2015. Collection method: clinical testing. Allele origin: germline.